The following is an entry in ClinVar:

ClinVar aggregate classification (germline): Pathogenic (1 of 4 stars; one submission).

Submission:

Labcorp Genetics (formerly Invitae), Labcorp
Classification: Pathogenic. Last evaluated: 2022-06-03. Review status: criteria provided, single submitter. Criteria: Invitae Variant Classification Sherloc (09022015). Collection method: clinical testing. Allele origin: germline.
Comment: This sequence change creates a premature translational stop signal (p.Gln757*) in the CDH23 gene. It is expected to result in an absent or disrupted protein product. Loss-of-function variants in CDH23 are known to be pathogenic (PMID: 11138009, 21940737). This variant is not present in population databases (gnomAD no frequency). This variant has not been reported in the literature in individuals affected with CDH23-related conditions. For these reasons, this variant has been classified as Pathogenic.

Literature cited by the submitters: PubMed 11138009; PubMed 21940737.

NM_022124.6(CDH23):c.2269C>T (p.Gln757Ter)

Gene: CDH23 (cadherin related 23; plus strand). Cytogenetic location: 10q22.1.
Variant type: single nucleotide variant.
Coding change: c.2269C>T on transcript NM_022124.6 (MANE Select); coding-DNA position 2269, C replaced by T.
Protein change: p.Gln757Ter; replaces glutamine 757 with a stop codon.
Molecular consequence: nonsense.
Genome position (GRCh38, 1-based): chr10:71,694,239, C>T. VCF-style: chr10-71694239-C-T. GRCh37 (hg19) VCF-style: chr10-73453996-C-T.
Other names: c.2269C>T, p.Gln757Ter (NM_001171930.2, NM_001171931.2); short protein forms Q757*.
Identifiers: ClinVar variation 2002157 (VCV002002157.4), dbSNP rs2494016040, ClinGen allele CA377135032.
Genomic context (GRCh38, chr10:71,694,239, plus strand): 5'-GAGACCAAGTCTGAATACATCCTCATCGTTCGCGCAGTGGACGGGGGTGTGGGCCACAAC[C>T]AGAAAACTGGCATCGCCACCGTGAGTGCGCTCCCCTCCCGTGCCCCAGCTCCCCCTCGCC-3'